The following is an entry in ClinVar:

NM_001256789.3(CACNA1F):c.5248G>A (p.Glu1750Lys)

Gene: CACNA1F (calcium voltage-gated channel subunit alpha1 F; minus strand). Cytogenetic location: Xp11.23.
Variant type: single nucleotide variant.
Coding change: c.5248G>A on transcript NM_001256789.3 (MANE Select); coding-DNA position 5248, G replaced by A.
Protein change: p.Glu1750Lys; replaces glutamic acid 1750 with lysine.
Molecular consequence: missense variant.
Genome position (GRCh38, 1-based): chrX:49,206,839, C>T on the plus strand (G>A on the coding strand, the complement: CACNA1F is on the minus strand). VCF-style: chrX-49206839-C-T. GRCh37 (hg19) VCF-style: chrX-49063300-C-T.
Other names: c.5086G>A, p.Glu1696Lys (NM_001256790.3); c.5281G>A, p.Glu1761Lys (NM_005183.4); short protein forms E1696K, E1750K, E1761K.
Identifiers: ClinVar variation 840137 (VCV000840137.10), dbSNP rs2065602555, ClinGen allele CA412958523.

ClinVar aggregate classification (germline): Uncertain significance (1 of 4 stars; one submission).

Allele frequency attached by ClinVar (database versions not stated): gnomAD exomes below 0.00001; TOPMed 0.00002.
gnomAD v4.1: 4 of 1,116,678 alleles (0.00036%); highest among the groups gnomAD compares: South Asian, 0.0018%; no homozygotes.

Submission:

Labcorp Genetics (formerly Invitae), Labcorp
Classification: Uncertain significance. Last evaluated: 2026-01-02. Review status: criteria provided, single submitter. Criteria: Invitae Variant Classification Sherloc (09022015). Collection method: clinical testing. Allele origin: germline.
Comment: This sequence change replaces glutamic acid, which is acidic and polar, with lysine, which is basic and polar, at codon 1761 of the CACNA1F protein (p.Glu1761Lys). This variant is not present in population databases (gnomAD no frequency). This variant has not been reported in the literature in individuals affected with CACNA1F-related conditions. ClinVar contains an entry for this variant (Variation ID: 840137). An algorithm developed to predict the effect of missense changes on protein structure and function (PolyPhen-2) suggests that this variant is likely to be tolerated. In summary, the available evidence is currently insufficient to determine the role of this variant in disease. Therefore, it has been classified as a Variant of Uncertain Significance.